The following is an entry in ClinVar:

NM_001267550.2(TTN):c.55010C>T (p.Pro18337Leu)

Genes: TTN-AS1 (TTN antisense RNA 1; plus strand), TTN (titin; minus strand). Cytogenetic location: 2q31.2.
Variant type: single nucleotide variant.
Coding change: c.55010C>T on transcript NM_001267550.2 (MANE Select); coding-DNA position 55010, C replaced by T.
Protein change: p.Pro18337Leu; replaces proline 18337 with leucine.
Molecular consequence: missense variant.
Genome position (GRCh38, 1-based): chr2:178,602,392, G>A on the plus strand (C>T on the coding strand, the complement: TTN is on the minus strand). VCF-style: chr2-178602392-G-A. GRCh37 (hg19) VCF-style: chr2-179467119-G-A.
Other names: c.50087C>T, p.Pro16696Leu (NM_001256850.1); c.27815C>T, p.Pro9272Leu (NM_003319.4); c.47306C>T, p.Pro15769Leu (NM_133378.4); c.28190C>T, p.Pro9397Leu (NM_133432.3); c.28391C>T, p.Pro9464Leu (NM_133437.4); short protein forms P18337L, P9272L, P9464L, P15769L, P16696L, P9397L.
Identifiers: ClinVar variation 698691 (VCV000698691.21), dbSNP rs764568599, ClinGen allele CA1993547.

ClinVar aggregate classification (germline): Conflicting classifications of pathogenicity. Review status: criteria provided, conflicting classifications (1 of 4 stars). 7 submissions from 7 submitters: Uncertain significance (4); Likely benign (3). Last evaluated 2026-05-24.

Conditions:
Cardiovascular phenotype. Identifiers: MedGen CN230736.
Dilated cardiomyopathy 1G (CMD1G). Identifiers: Orphanet 154, MedGen C1858763, MONDO:0011400, OMIM 604145.
Autosomal recessive limb-girdle muscular dystrophy type 2J (LGMDR10). Also called: MUSCULAR DYSTROPHY, LIMB-GIRDLE, AUTOSOMAL RECESSIVE 10; Limb-girdle muscular dystrophy, type 2J. Identifiers: Orphanet 140922, MedGen C1837342, MONDO:0012127, OMIM 608807.
TTN-related disorder. Also called: TTN-related disorders; TTN-related condition; TTN-related disease.

Allele frequency attached by ClinVar (database versions not stated): gnomAD 0.00001 and 0.00002; TOPMed 0.00007; ExAC 0.00011; gnomAD exomes 0.00015.
gnomAD v4.1: 52 of 1,612,710 alleles (0.0032%); highest among the groups gnomAD compares: Admixed American, 0.078%; no homozygotes.

Submissions (7):

Women's Health and Genetics/Laboratory Corporation of America, LabCorp
Classification: Uncertain significance. Last evaluated: 2026-05-24. Review status: criteria provided, single submitter. Criteria: LabCorp Variant Classification Summary - May 2015. Collection method: clinical testing. Allele origin: germline.

Labcorp Genetics (formerly Invitae), Labcorp
Classification: Likely benign for Dilated cardiomyopathy 1G; Autosomal recessive limb-girdle muscular dystrophy type 2J. Last evaluated: 2026-01-05. Review status: criteria provided, single submitter. Criteria: Invitae Variant Classification Sherloc (09022015). Collection method: clinical testing. Allele origin: germline.

PreventionGenetics, part of Exact Sciences
Classification: Uncertain significance for TTN-related condition. Last evaluated: 2025-05-14. Review status: criteria provided, single submitter. Criteria: ACMG Guidelines, 2015. Collection method: clinical testing. Allele origin: germline.
Comment: The TTN c.55010C>T variant is predicted to result in the amino acid substitution p.Pro18337Leu. To our knowledge, this variant has not been reported in the literature. This variant is reported in 0.096% of alleles in individuals of Latino descent in gnomAD. Although we suspect that this variant may be benign, at this time, the clinical significance of this variant is uncertain due to the absence of conclusive functional and genetic evidence.

Revvity Omics, Revvity
Classification: Uncertain significance. Last evaluated: 2025-01-26. Review status: criteria provided, single submitter. Criteria: ACMG Guidelines, 2015. Collection method: clinical testing. Allele origin: germline.

Blueprint Genetics
Classification: Likely benign. Last evaluated: 2021-03-16. Review status: criteria provided, single submitter. Criteria: ACMG Guidelines, 2015. Collection method: clinical testing. Allele origin: germline.

GeneDx
Classification: Likely benign. Last evaluated: 2020-11-12. Review status: criteria provided, single submitter. Criteria: GeneDx Variant Classification Process June 2021. Collection method: clinical testing. Allele origin: germline. Affected: yes.

Ambry Genetics
Classification: Uncertain significance for Cardiovascular phenotype. Last evaluated: 2019-10-02. Review status: criteria provided, single submitter. Criteria: Ambry Variant Classification Scheme 2023. Collection method: clinical testing. Allele origin: germline.
Comment: The p.P9272L variant (also known as c.27815C>T), located in coding exon 110 of the TTN gene, results from a C to T substitution at nucleotide position 27815. The proline at codon 9272 is replaced by leucine, an amino acid with similar properties. This amino acid position is highly conserved in available vertebrate species. In addition, this alteration is predicted to be tolerated by in silico analysis. Since supporting evidence is limited at this time, the clinical significance of this alteration remains unclear.